The following is an entry in ClinVar:

ClinVar aggregate classification (germline): Benign/Likely benign. Review status: criteria provided, multiple submitters, no conflicts (2 of 4 stars). 2 submissions from 2 submitters: Benign (1); Likely benign (1). Last evaluated 2024-03-18.

Conditions:
Hereditary cancer-predisposing syndrome. Also called: Neoplastic Syndromes, Hereditary; Tumor predisposition; Hereditary Cancer Syndrome; Hereditary neoplastic syndrome. Identifiers: Orphanet 140162, MedGen C0027672, MeSH D009386, MONDO:0015356.
Familial adenomatous polyposis 1 (FAP1). Also called: FAMILIAL ADENOMATOUS POLYPOSIS 1, ATTENUATED; POLYPOSIS, ADENOMATOUS INTESTINAL. Identifiers: MedGen C2713442, MONDO:0021056, OMIM 175100. Disease mechanism: loss of function.

Submissions (2):

Myriad Genetics, Inc.
Classification: Benign for Familial adenomatous polyposis 1. Last evaluated: 2024-03-18. Review status: criteria provided, single submitter. Criteria: Myriad Autosomal Dominant, Autosomal Recessive and X-Linked Classification Criteria (2023). Collection method: clinical testing. Allele origin: unknown.
Comment: This variant is considered benign. This variant is a silent/synonymous amino acid change and it is not expected to impact splicing.

Ambry Genetics
Classification: Likely benign for Hereditary cancer-predisposing syndrome. Last evaluated: 2021-01-24. Review status: criteria provided, single submitter. Criteria: Ambry Variant Classification Scheme 2023. Collection method: clinical testing. Allele origin: germline.

NM_000038.6(APC):c.3399T>C (p.Asp1133=)

Gene: APC (APC regulator of Wnt signaling pathway; plus strand). Cytogenetic location: 5q22.2.
Variant type: single nucleotide variant.
Coding change: c.3399T>C on transcript NM_000038.6 (MANE Select); coding-DNA position 3399, T replaced by C.
Protein change: p.Asp1133=; no amino-acid change (aspartic acid 1133 retained).
Molecular consequence: synonymous variant. On other transcripts: non-coding transcript variant (2).
Genome position (GRCh38, 1-based): chr5:112,838,993, T>C. VCF-style: chr5-112838993-T-C. GRCh37 (hg19) VCF-style: chr5-112174690-T-C.
Other names: c.3399T>C, p.Asp1133= (NM_001127510.3, NM_001354895.2, NM_001407450.1); c.3345T>C, p.Asp1115= (NM_001127511.3); c.3453T>C, p.Asp1151= (NM_001354896.2, NM_001407447.1, NM_001407448.1 and 1 more transcripts); c.3429T>C, p.Asp1143= (NM_001354897.2); c.3324T>C, p.Asp1108= (NM_001354898.2); c.3315T>C, p.Asp1105= (NM_001354899.2); c.3276T>C, p.Asp1092= (NM_001354900.2); c.3222T>C, p.Asp1074= (NM_001354901.2, NM_001407453.1); and 11 more.
Identifiers: ClinVar variation 1730966 (VCV001730966.2), dbSNP rs1561584518, ClinGen allele CA445963788.